The following is an entry in ClinVar:

ClinVar aggregate classification (germline): Uncertain significance (1 of 4 stars; one submission).

Allele frequency attached by ClinVar (database versions not stated): gnomAD 0.00001; gnomAD exomes 0.00001.

Submission:

Labcorp Genetics (formerly Invitae), Labcorp
Classification: Uncertain significance. Last evaluated: 2022-03-24. Review status: criteria provided, single submitter. Criteria: Invitae Variant Classification Sherloc (09022015). Collection method: clinical testing. Allele origin: germline.
Comment: This sequence change replaces threonine, which is neutral and polar, with isoleucine, which is neutral and non-polar, at codon 1095 of the PCLO protein (p.Thr1095Ile). In summary, the available evidence is currently insufficient to determine the role of this variant in disease. Therefore, it has been classified as a Variant of Uncertain Significance. Algorithms developed to predict the effect of missense changes on protein structure and function are either unavailable or do not agree on the potential impact of this missense change (SIFT: "Tolerated"; PolyPhen-2: "Not Available"; Align-GVGD: "Class C0"). This variant has not been reported in the literature in individuals affected with PCLO-related conditions. This variant is present in population databases (no rsID available, gnomAD 0.009%).

NM_033026.6(PCLO):c.3284C>T (p.Thr1095Ile)

Gene: PCLO (piccolo presynaptic cytomatrix protein; minus strand). Cytogenetic location: 7q21.11.
Variant type: single nucleotide variant.
Coding change: c.3284C>T on transcript NM_033026.6 (MANE Select); coding-DNA position 3284, C replaced by T.
Protein change: p.Thr1095Ile; replaces threonine 1095 with isoleucine.
Molecular consequence: missense variant.
Genome position (GRCh38, 1-based): chr7:83,134,266, G>A on the plus strand (C>T on the coding strand, the complement: PCLO is on the minus strand). VCF-style: chr7-83134266-G-A. GRCh37 (hg19) VCF-style: chr7-82763582-G-A.
Other names: c.3284C>T, p.Thr1095Ile (NM_014510.3); short protein forms T1095I.
Identifiers: ClinVar variation 1974191 (VCV001974191.5), dbSNP rs879086689, ClinGen allele CA161171473.